The following is an entry in ClinVar:

NM_005359.6(SMAD4):c.1228_1229del (p.Gln410fs)

Gene: SMAD4 (SMAD family member 4; plus strand). Cytogenetic location: 18q21.2.
Variant type: Deletion.
Coding change: c.1228_1229del on transcript NM_005359.6 (MANE Select); coding-DNA positions 1228 to 1229, 2 bases deleted (CA; older notation c.1228_1229delCA).
Protein change: p.Gln410fs; shifts the reading frame from glutamine 410.
Molecular consequence: frameshift variant.
Genome position (GRCh38, 1-based): chr18:51,067,107-51,067,108, CA deleted; deleting any 2 consecutive bases within chr18:51,067,106-51,067,108 gives the same sequence; the c. name uses the placement nearest the transcript's 3' end. VCF-style (leftmost placement, unchanged base first): chr18-51067105-TAC-T. GRCh37 (hg19) VCF-style: chr18-48593475-TAC-T.
Other names: c.1228_1229delCA (NM_005359.5); short protein forms Q410fs.
Identifiers: ClinVar variation 460532 (VCV000460532.14), dbSNP rs1555686608, ClinGen allele CA658658750.

ClinVar aggregate classification (germline): Pathogenic. Review status: criteria provided, multiple submitters, no conflicts (2 of 4 stars). 2 submissions from 2 submitters: Pathogenic (2). Last evaluated 2025-04-16.

Conditions:
Familial thoracic aortic aneurysm and aortic dissection (TAAD). Also called: Thoracic aortic aneurysms and dissections. Identifiers: Orphanet 91387, MedGen C4707243, MONDO:0019625.
Hereditary cancer-predisposing syndrome. Also called: Hereditary neoplastic syndrome; Neoplastic Syndromes, Hereditary; Tumor predisposition; Hereditary Cancer Syndrome. Identifiers: Orphanet 140162, MedGen C0027672, MeSH D009386, MONDO:0015356.
Juvenile polyposis syndrome (JPS). Identifiers: Orphanet 2929, MedGen C0345893, MONDO:0017380, OMIM 174900.

Submissions (2):

Labcorp Genetics (formerly Invitae), Labcorp
Classification: Pathogenic for Juvenile polyposis syndrome. Last evaluated: 2025-04-16. Review status: criteria provided, single submitter. Criteria: Invitae Variant Classification Sherloc (09022015). Collection method: clinical testing. Allele origin: germline.
Comment: This sequence change creates a premature translational stop signal (p.Gln410Glufs*18) in the SMAD4 gene. It is expected to result in an absent or disrupted protein product. Loss-of-function variants in SMAD4 are known to be pathogenic (PMID: 16152648, 16436638, 22810475). This variant is not present in population databases (gnomAD no frequency). This premature translational stop signal has been observed in individual(s) with juvenile polyposis syndrome and hemorrhagic telanciectasia (PMID: 20685751). ClinVar contains an entry for this variant (Variation ID: 460532). For these reasons, this variant has been classified as Pathogenic.

Ambry Genetics
Classification: Pathogenic for Hereditary cancer-predisposing syndrome; Familial thoracic aortic aneurysm and aortic dissection. Last evaluated: 2017-07-20. Review status: criteria provided, single submitter. Criteria: Ambry Variant Classification Scheme 2023. Collection method: clinical testing. Allele origin: germline.
Comment: The c.1228_1229delCA pathogenic mutation, located in coding exon 9 of the SMAD4 gene, results from a deletion of two nucleotides at nucleotide positions 1228 to 1229, causing a translational frameshift with a predicted alternate stop codon (p.Q410Efs*18). In addition to the clinical data presented in the literature, this alteration is expected to result in loss of function by premature protein truncation or nonsense-mediated mRNA decay. As such, this alteration is interpreted as a disease-causing mutation.

Literature cited by the submitters: PubMed 16152648 (cited by Labcorp Genetics (formerly Invitae), Labcorp); PubMed 16436638 (cited by Labcorp Genetics (formerly Invitae), Labcorp); PubMed 22810475 (cited by Labcorp Genetics (formerly Invitae), Labcorp); PubMed 20685751 (cited by Labcorp Genetics (formerly Invitae), Labcorp).